The following is an entry in ClinVar:

ClinVar aggregate classification (germline): Likely benign. Review status: criteria provided, multiple submitters, no conflicts (2 of 4 stars). 3 submissions from 3 submitters: Likely benign (2). 1 of the submissions does not count toward it. Last evaluated 2025-12-08.

Conditions:
Hereditary cancer-predisposing syndrome. Also called: Tumor predisposition; Hereditary neoplastic syndrome; Hereditary Cancer Syndrome; Neoplastic Syndromes, Hereditary. Identifiers: Orphanet 140162, MedGen C0027672, MeSH D009386, MONDO:0015356.
EGFR-related lung cancer (EGFR). Identifiers: MedGen CN130014.
EGFR-related disorder. Also called: EGFR-related condition.

Allele frequency attached by ClinVar (database versions not stated): gnomAD exomes below 0.00001 and 0.00003; TOPMed 0.00001; ExAC 0.00002.
gnomAD v4.1: 49 of 1,614,068 alleles (0.003%); highest among the groups gnomAD compares: Non-Finnish European, 0.0038%; no homozygotes.

Submissions (3):

Labcorp Genetics (formerly Invitae), Labcorp
Classification: Likely benign for EGFR-related lung cancer. Last evaluated: 2025-12-08. Review status: criteria provided, single submitter. Criteria: Invitae Variant Classification Sherloc (09022015). Collection method: clinical testing. Allele origin: germline.

Ambry Genetics
Classification: Likely benign for Hereditary cancer-predisposing syndrome. Last evaluated: 2024-12-07. Review status: criteria provided, single submitter. Criteria: Ambry Variant Classification Scheme 2023. Collection method: clinical testing. Allele origin: germline.

PreventionGenetics, part of Exact Sciences
Classification: Likely benign for EGFR-related condition. Last evaluated: 2023-12-27. Review status: no assertion criteria provided. Collection method: clinical testing. Allele origin: germline. Not counted in ClinVar's aggregate classification.
Comment: This variant is classified as likely benign based on ACMG/AMP sequence variant interpretation guidelines (Richards et al. 2015 PMID: 25741868, with internal and published modifications).

NM_005228.5(EGFR):c.2763C>T (p.Ser921=)

Gene: EGFR (epidermal growth factor receptor; plus strand). Cytogenetic location: 7p11.2.
Variant type: single nucleotide variant.
Coding change: c.2763C>T on transcript NM_005228.5 (MANE Select); coding-DNA position 2763, C replaced by T.
Protein change: p.Ser921=; no amino-acid change (serine 921 retained).
Molecular consequence: synonymous variant.
Genome position (GRCh38, 1-based): chr7:55,198,778, C>T. VCF-style: chr7-55198778-C-T. GRCh37 (hg19) VCF-style: chr7-55266471-C-T.
Other names: c.2763C>T (NM_005228.4); c.2628C>T, p.Ser876= (NM_001346897.2, NM_001346899.2); c.2763C>T, p.Ser921= (NM_001346898.2); c.2604C>T, p.Ser868= (NM_001346900.2); c.1962C>T, p.Ser654= (NM_001346941.2).
Identifiers: ClinVar variation 937973 (VCV000937973.10), dbSNP rs770529788, ClinGen allele CA4266173.